The following is an entry in ClinVar:

ClinVar aggregate classification (germline): Pathogenic (1 of 4 stars; one submission).

Conditions:
Hyperornithinemia-hyperammonemia-homocitrullinuria syndrome (HHHS). Also called: Ornithine translocase deficiency; HHH SYNDROME. Identifiers: Orphanet 415, MedGen C0268540, MONDO:0009393, OMIM 238970.

Submission:

Labcorp Genetics (formerly Invitae), Labcorp
Classification: Pathogenic for Hyperornithinemia-hyperammonemia-homocitrullinuria syndrome. Last evaluated: 2020-01-14. Review status: criteria provided, single submitter. Criteria: Invitae Variant Classification Sherloc (09022015). Collection method: clinical testing. Allele origin: germline.
Comment: This sequence change creates a premature translational stop signal (p.Trp224*) in the SLC25A15 gene. It is expected to result in an absent or disrupted protein product. This variant is not present in population databases (ExAC no frequency). This variant has not been reported in the literature in individuals with SLC25A15-related conditions. Loss-of-function variants in SLC25A15 are known to be pathogenic (PMID: 11552031, 19242930). For these reasons, this variant has been classified as Pathogenic.

Literature cited by the submitters: PubMed 11552031; PubMed 19242930.

NM_014252.4(SLC25A15):c.672G>A (p.Trp224Ter)

Gene: SLC25A15 (solute carrier family 25 member 15; plus strand). Cytogenetic location: 13q14.11.
Variant type: single nucleotide variant.
Coding change: c.672G>A on transcript NM_014252.4 (MANE Select); coding-DNA position 672, G replaced by A.
Protein change: p.Trp224Ter; replaces tryptophan 224 with a stop codon.
Molecular consequence: nonsense.
Genome position (GRCh38, 1-based): chr13:40,808,487, G>A. VCF-style: chr13-40808487-G-A. GRCh37 (hg19) VCF-style: chr13-41382623-G-A.
Other names: short protein forms W224*.
Identifiers: ClinVar variation 1071601 (VCV001071601.7), dbSNP rs1593295876, ClinGen allele CA387918869.